The following is an entry in ClinVar:

ClinVar aggregate classification (germline): Likely pathogenic (1 of 4 stars; one submission).

Conditions:
Alport syndrome. Also called: Hemorrhagic familial nephritis; Hemorrhagic hereditary nephritis; Congenital hereditary hematuria. Identifiers: Orphanet 63, MedGen C1567741, MONDO:0018965.

Submission:

Natera, Inc.
Classification: Likely pathogenic for Alport syndrome. Last evaluated: 2024-05-03. Review status: criteria provided, single submitter. Criteria: Natera Variant Classification Schema (03/2026). Collection method: clinical testing. Allele origin: germline.
Comment: The c.1724delG variant in COL4A3 is a frameshift variant predicted to shift the reading frame beginning at codon 575 and leads to a stop codon 2 codons downstream. This variant is expected to result in nonsense mediated decay, truncation, or a dysfunctional protein product. This variant is rare in the general population with a frequency below the threshold expected for the associated phenotype(s). Given the available evidence, this variant is classified as Likely Pathogenic.

NM_000091.5(COL4A3):c.1724del (p.Gly575fs)

Genes: COL4A3 (collagen type IV alpha 3 chain; plus strand), MFF-DT (MFF divergent transcript; minus strand). Cytogenetic location: 2q36.3.
Variant type: Deletion.
Coding change: c.1724del on transcript NM_000091.5 (MANE Select); coding-DNA position 1724, one base deleted (G; older notation c.1724delG).
Protein change: p.Gly575fs; shifts the reading frame from glycine 575.
Molecular consequence: frameshift variant.
Genome position (GRCh38, 1-based): chr2:227,270,918, G deleted; the last of 3 consecutive G bases (chr2:227,270,916-227,270,918); deleting any one gives the same sequence. VCF-style (leftmost placement, unchanged base first): chr2-227270915-CG-C. GRCh37 (hg19) VCF-style: chr2-228135631-CG-C.
Other names: short protein forms G575fs.
Identifiers: ClinVar variation 4817205 (VCV004817205.1).
Genomic context (GRCh38, chr2:227,270,915, plus strand): 5'-GTGACCCGGGGCTCAGAGGCCAACCTGGGAGAAAGGGCTTGGATGGAATTCCTGGAACTC[CG>C]GGAGTGAAAGGATTACCAGGACCTAAAGGCGAACTGGTTGGTATTTAGCAACTTTACCCT-3'